The following is an entry in ClinVar:

NM_000179.3(MSH6):c.3270G>A (p.Glu1090=)

Gene: MSH6 (mutS homolog 6; plus strand). Cytogenetic location: 2p16.3.
Variant type: single nucleotide variant.
Coding change: c.3270G>A on transcript NM_000179.3 (MANE Select); coding-DNA position 3270, G replaced by A.
Protein change: p.Glu1090=; no amino-acid change (glutamic acid 1090 retained).
Molecular consequence: synonymous variant.
Genome position (GRCh38, 1-based): chr2:47,803,517, G>A. VCF-style: chr2-47803517-G-A. GRCh37 (hg19) VCF-style: chr2-48030656-G-A.
Other names: c.2880G>A, p.Glu960= (NM_001281492.2); c.2364G>A, p.Glu788= (NM_001281493.2, NM_001281494.2).
Identifiers: ClinVar variation 823369 (VCV000823369.5), dbSNP rs876660165, ClinGen allele CA426121878.

ClinVar aggregate classification (germline): Benign/Likely benign. Review status: criteria provided, multiple submitters, no conflicts (2 of 4 stars). 2 submissions from 2 submitters: Benign (1); Likely benign (1). Last evaluated 2025-01-06.

Conditions:
Hereditary cancer-predisposing syndrome. Also called: Tumor predisposition; Hereditary Cancer Syndrome; Neoplastic Syndromes, Hereditary; Hereditary neoplastic syndrome. Identifiers: Orphanet 140162, MedGen C0027672, MeSH D009386, MONDO:0015356.
Lynch syndrome 5 (LYNCH5). Also called: Colorectal cancer, hereditary nonpolyposis, type 5; Hereditary non-polyposis colorectal cancer, type 5. Identifiers: Orphanet 144, MedGen C1833477, MONDO:0013710, OMIM 614350. Disease mechanism: loss of function.

Submissions (2):

Myriad Genetics, Inc.
Classification: Benign for Lynch syndrome 5. Last evaluated: 2025-01-06. Review status: criteria provided, single submitter. Criteria: Myriad Autosomal Dominant, Autosomal Recessive and X-Linked Classification Criteria (2023). Collection method: clinical testing. Allele origin: unknown.
Comment: This variant is considered benign. This variant is a silent/synonymous amino acid change and it is not expected to impact splicing.

Ambry Genetics
Classification: Likely benign for Hereditary cancer-predisposing syndrome. Last evaluated: 2019-09-09. Review status: criteria provided, single submitter. Criteria: Ambry Variant Classification Scheme 2023. Collection method: clinical testing. Allele origin: germline.